The following is an entry in ClinVar:

ClinVar aggregate classification (germline): Uncertain significance. Review status: criteria provided, multiple submitters, no conflicts (2 of 4 stars). 14 submissions from 14 submitters: Uncertain significance (11). 3 of the submissions do not count toward it. Last evaluated 2026-01-13.

Conditions:
Pancreatic cancer, susceptibility to, 2. Identifiers: Orphanet 1333, MedGen C3150546, MONDO:0013235, OMIM 613347.
Glioma susceptibility 3 (GLM3). Also called: Glioblastoma 3. Identifiers: Orphanet 182067, Orphanet 360, MedGen C2751641, MONDO:0013093, OMIM 613029.
Familial prostate cancer. Also called: Hereditary Prostate Cancer. Identifiers: MedGen C2931456, MONDO:0700275, OMIM 176807.
Breast-ovarian cancer, familial, susceptibility to, 2 (BROVCA2). Also called: BRCA2 Hereditary Breast and Ovarian Cancer. Identifiers: Orphanet 145, MedGen C2675520, MONDO:0012933, OMIM 612555. Disease mechanism: loss of function.
Fanconi anemia complementation group D1. Also called: BRCA2-Related Fanconi Anemia. Identifiers: Orphanet 319462, MedGen C1838457, MONDO:0011584, OMIM 605724.
Medulloblastoma (MDB). Also called: Medulloblastoma, somatic; MEDULLOBLASTOMA PREDISPOSITION SYNDROME. Identifiers: Orphanet 616, MedGen C0025149, MeSH D008527, MONDO:0007959, OMIM 155255, HP:0002885.
Wilms tumor 1 (WT1). Also called: Wilms tumor, somatic. Identifiers: Orphanet 654, MedGen CN033288, MONDO:0008679, OMIM 194070.
Familial cancer of breast. Also called: BREAST CANCER, FAMILIAL; hereditary breast carcinoma; Hereditary breast cancer. Identifiers: Orphanet 227535, MedGen C0346153, MONDO:0016419, OMIM 114480. Disease mechanism: loss of function.
BRCA2-related disorder. Also called: BRCA2-related condition; BRCA2-related disorders. Identifiers: MedGen CN239275.
Hereditary cancer-predisposing syndrome. Also called: Neoplastic Syndromes, Hereditary; Tumor predisposition; Hereditary Cancer Syndrome; Hereditary neoplastic syndrome. Identifiers: Orphanet 140162, MedGen C0027672, MeSH D009386, MONDO:0015356.
Hereditary breast ovarian cancer syndrome. Also called: Breast and ovarian cancer; Hereditary breast and ovarian cancer; Hereditary breast and ovarian cancer syndrome (HBOC); Hereditary breast and ovarian cancer syndrome; BRCA1- and BRCA2-Associated Hereditary Breast and Ovarian Cancer; Hereditary breast and/or ovarian cancer syndrome. Identifiers: Orphanet 145, MedGen C0677776, MeSH D061325, MONDO:0003582. Disease mechanism: loss of function.

Allele frequency attached by ClinVar (database versions not stated): gnomAD exomes below 0.00001 and 0.00001; ExAC 0.00002; gnomAD 0.00002; TOPMed 0.00004.
gnomAD v4.1: 6 of 1,613,532 alleles (0.00037%); highest among the groups gnomAD compares: African/African-American, 0.0067%; no homozygotes.

Submissions 1 to 7 of 14:

Labcorp Genetics (formerly Invitae), Labcorp
Classification: Uncertain significance for Hereditary breast ovarian cancer syndrome. Last evaluated: 2026-01-13. Review status: criteria provided, single submitter. Criteria: Invitae Variant Classification Sherloc (09022015). Collection method: clinical testing. Allele origin: germline.
Comment: This sequence change replaces threonine, which is neutral and polar, with alanine, which is neutral and non-polar, at codon 77 of the BRCA2 protein (p.Thr77Ala). This variant is present in population databases (rs80358500, gnomAD 0.02%). This missense change has been observed in individual(s) with breast cancer or head and neck carcinoma (PMID: 18284688, 29684080, 34598035). ClinVar contains an entry for this variant (Variation ID: 37780). Invitae Evidence Modeling of protein sequence and biophysical properties (such as structural, functional, and spatial information, amino acid conservation, physicochemical variation, residue mobility, and thermodynamic stability) indicates that this missense variant is not expected to disrupt BRCA2 protein function with a negative predictive value of 95%. Experimental studies have shown that this missense change affects BRCA2 function (PMID: 24448238, 24835992). Studies have shown that this missense change is associated with inconclusive levels of altered splicing (internal data). In summary, the available evidence is currently insufficient to determine the role of this variant in disease. Therefore, it has been classified as a Variant of Uncertain Significance.

PreventionGenetics, part of Exact Sciences
Classification: Uncertain significance for BRCA2-related condition. Last evaluated: 2025-12-19. Review status: criteria provided, single submitter. Criteria: ACMG Guidelines, 2015. Collection method: clinical testing. Allele origin: germline.
Comment: The BRCA2 c.229A>G variant is predicted to result in the amino acid substitution p.Thr77Ala. This variant has been reported in patients with head and neck squamous cell carcinoma, breast cancer, and Cowden and Bannayan-Riley-Ruvalcaba syndromes without PTEN mutations (Cury et al. 2021. PubMed ID: 34598035; Table S4, Sandoval et al. 2021. PubMed ID: 33606809; Table S2, Lee et al. 2008. PubMed ID: 18284688; Table S9/S10, Yehia et al. 2018. PubMed ID: 29684080). Functional studies have shown this variant inhibits Plk1 mediated phosphorylation and binding of BRCA2 resulting in mislocalization (Yata et al. 2014. PubMed ID: 24835992; Takaoka et al. 2014. PubMed ID: 24448238). This variant is reported in 0.018% of alleles in individuals of African descent in gnomAD. This variant is interpreted as uncertain in ClinVar (Variation ID: 37780). At this time, the clinical significance of this variant is uncertain due to the absence of conclusive functional and genetic evidence.

Quest Diagnostics Nichols Institute San Juan Capistrano
Classification: Uncertain significance. Last evaluated: 2025-04-14. Review status: criteria provided, single submitter. Criteria: Quest Diagnostics criteria. Collection method: clinical testing. Allele origin: unknown.
Comment: The BRCA2 c.229A>G (p.Thr77Ala) variant has been reported in the published literature in individuals with breast cancer (PMID: 18284688 (2008), 33606809 (2021), 30702160 (2019)), head neck squamous cell carcinoma (HNSCC) (PMID: 34598035 (2021)), Cowden/Cowden-like (CS/CS-like) and Bannayan-Riley-Ruvalcaba syndromes (BRRS) (PMID: 29684080 (2018)). The frequency of this variant in the general population (Genome Aggregation Database) is uninformative in the assessment of its pathogenicity. Analysis of this variant using bioinformatics tools for the prediction of the effect of amino acid changes on protein structure and function yielded conflicting predictions that this variant is benign or damaging. Based on the available information, we are unable to determine the clinical significance of this variant.

Ambry Genetics
Classification: Uncertain significance for Hereditary cancer-predisposing syndrome. Last evaluated: 2024-05-06. Review status: criteria provided, single submitter. Criteria: Ambry Variant Classification Scheme 2023. Collection method: clinical testing. Allele origin: germline.
Comment: The p.T77A variant (also known as c.229A>G), located in coding exon 2 of the BRCA2 gene, results from an A to G substitution at nucleotide position 229. The threonine at codon 77 is replaced by alanine, an amino acid with similar properties. This variant was identified in a population-based study of early-onset breast cancer diagnoses (Lee E et al. Breast Cancer Res, 2008 Feb;10:R19). This variant was also detected in a cohort of unrelated Brazilian individuals with breast cancer (Sandoval RL et al. PLoS One, 2021 Mar;16:e0247363). Functional studies indicate that the p.T77A variant reduces BRCA2-PLK1 binding, which may impair BRCA2 localization and RAD51 recruitment (Takaoka M et al. Cancer Res. 2014 Mar;74(5):1518-28; Yata K et al. Cell Rep. 2014 Jun;7(5):1547-59). This amino acid position is highly conserved in available vertebrate species. In addition, the in silico prediction for this alteration is inconclusive. Based on the available evidence, the clinical significance of this variant remains unclear.

Fulgent Genetics
Classification: Uncertain significance for Familial cancer of breast; Medulloblastoma; Familial prostate cancer; Wilms tumor 1; Fanconi anemia complementation group D1; Breast-ovarian cancer, familial, susceptibility to, 2; Glioma susceptibility 3; Pancreatic cancer, susceptibility to, 2. Last evaluated: 2024-04-12. Review status: criteria provided, single submitter. Criteria: ACMG Guidelines, 2015. Collection method: clinical testing. Allele origin: germline.

Baylor Genetics
Classification: Uncertain significance for Familial cancer of breast. Last evaluated: 2023-10-29. Review status: criteria provided, single submitter. Criteria: ACMG Guidelines, 2015. Collection method: clinical testing. Allele origin: unknown.

All of Us Research Program, National Institutes of Health
Classification: Uncertain significance for Breast-ovarian cancer, familial, susceptibility to, 2. Last evaluated: 2023-10-06. Review status: criteria provided, single submitter. Criteria: ACMG Guidelines, 2015. Collection method: clinical testing. Allele origin: germline. Inheritance: Autosomal dominant inheritance. Observed: 1 variant allele, 1 heterozygote.
Comment: This missense variant replaces threonine with alanine at codon 77 of the BRCA2 protein. Computational prediction suggests that this variant may not impact protein structure and function (internally defined REVEL score threshold <= 0.5, PMID: 27666373). Functional studies have shown that this variant disrupts BRCA2-PLK1 interaction. This variant has been reported in 2 individuals affected with breast cancer (PMID: 18284688, 33606809). This variant has been identified in 3/251384 chromosomes in the general population by the Genome Aggregation Database (gnomAD). The available evidence is insufficient to determine the role of this variant in disease conclusively. Therefore, this variant is classified as a Variant of Uncertain Significance.

This study involves interpretation of variants in research participants for the purpose of population health screening. Participant phenotype was not available at the time of variant classification. Additional details can be found in publication PMID: 35346344, PMCID: PMC8962531

NM_000059.4(BRCA2):c.229A>G (p.Thr77Ala)

Gene: BRCA2 (BRCA2 DNA repair associated; plus strand). Cytogenetic location: 13q13.1.
Variant type: single nucleotide variant.
Coding change: c.229A>G on transcript NM_000059.4 (MANE Select); coding-DNA position 229, A replaced by G.
Protein change: p.Thr77Ala; replaces threonine 77 with alanine.
Molecular consequence: missense variant.
Genome position (GRCh38, 1-based): chr13:32,319,238, A>G. VCF-style: chr13-32319238-A-G. GRCh37 (hg19) VCF-style: chr13-32893375-A-G.
Other names: 457A>G; short protein forms T77A.
Identifiers: ClinVar variation 37780 (VCV000037780.34), dbSNP rs80358500, ClinGen allele CA014900.